The following is an entry in ClinVar:

NM_000094.4(COL7A1):c.5755G>T (p.Gly1919Ter)

Gene: COL7A1 (collagen type VII alpha 1 chain; minus strand). Cytogenetic location: 3p21.31.
Variant type: single nucleotide variant.
Coding change: c.5755G>T on transcript NM_000094.4 (MANE Select); coding-DNA position 5755, G replaced by T.
Protein change: p.Gly1919Ter; replaces glycine 1919 with a stop codon.
Molecular consequence: nonsense.
Genome position (GRCh38, 1-based): chr3:48,576,417, C>A on the plus strand (G>T on the coding strand, the complement: COL7A1 is on the minus strand). VCF-style: chr3-48576417-C-A. GRCh37 (hg19) VCF-style: chr3-48613850-C-A.
Other names: short protein forms G1919*.
Identifiers: ClinVar variation 1458693 (VCV001458693.7), dbSNP rs2044302053, ClinGen allele CA352666531.
Genomic context (GRCh38, chr3:48,576,417, plus strand): 5'-GTGCTGTGGCTACCTGGGCATGTGGAAAAGGTGGGGGCCTCACCTGCTCCCCTTTGGATC[C>A]AGTCTCCCCACGGTCACCCTGAAAACAAGAATGACCAGGTGGGGAAATGGCCCCCAGCCT-3'

ClinVar aggregate classification (germline): Pathogenic. Review status: criteria provided, multiple submitters, no conflicts (2 of 4 stars). 2 submissions from 2 submitters: Pathogenic (2). Last evaluated 2024-06-06.

Conditions:
Recessive dystrophic epidermolysis bullosa (RDEB). Also called: severe generalized recessive dystrophic epidermolysis bullosa; epidermolysis bullosa dystrophica, autosomal recessive; Hallopeau-Siemens Disease; EPIDERMOLYSIS BULLOSA DYSTROPHICA, GENERALIZED SEVERE, AUTOSOMAL RECESSIVE; Recessive DEB (RDEB); Epidermolysis Bullosa Distrophica Autosomal Recessive (RDEB). Identifiers: Orphanet 79408, Orphanet 79409, MedGen C0079474, MONDO:0009179, OMIM 226600.

Submissions (2):

Myriad Genetics, Inc.
Classification: Pathogenic for Recessive dystrophic epidermolysis bullosa. Last evaluated: 2024-06-06. Review status: criteria provided, single submitter. Criteria: Myriad Autosomal Dominant, Autosomal Recessive and X-Linked Classification Criteria (2023). Collection method: clinical testing. Allele origin: unknown.
Comment: NM_000094.3(COL7A1):c.5755G>T(G1919*) is expected to be pathogenic in the context of dystrophic epidermolysis bullosa. This variant is predicted to lead to an abnormal or absent protein product due to the creation of a premature termination codon in COL7A1, a gene where loss-of-function variants are known to be pathogenic. Please note: this variant was assessed in the context of healthy population screening.

Labcorp Genetics (formerly Invitae), Labcorp
Classification: Pathogenic. Last evaluated: 2023-08-24. Review status: criteria provided, single submitter. Criteria: Invitae Variant Classification Sherloc (09022015). Collection method: clinical testing. Allele origin: germline.
Comment: This variant has not been reported in the literature in individuals affected with COL7A1-related conditions. This variant is not present in population databases (gnomAD no frequency). This sequence change creates a premature translational stop signal (p.Gly1919*) in the COL7A1 gene. It is expected to result in an absent or disrupted protein product. Loss-of-function variants in COL7A1 are known to be pathogenic (PMID: 16971478). ClinVar contains an entry for this variant (Variation ID: 1458693). For these reasons, this variant has been classified as Pathogenic.

Literature cited by the submitters: PubMed 16971478 (cited by Labcorp Genetics (formerly Invitae), Labcorp).